The following is an entry in ClinVar:

NM_000141.5(FGFR2):c.958A>G (p.Thr320Ala)

Gene: FGFR2 (fibroblast growth factor receptor 2; minus strand). Cytogenetic location: 10q26.13.
Variant type: single nucleotide variant.
Coding change: c.958A>G on transcript NM_000141.5 (MANE Select); coding-DNA position 958, A replaced by G.
Protein change: p.Thr320Ala; replaces threonine 320 with alanine.
Molecular consequence: missense variant. On other transcripts: non-coding transcript variant (1), intron variant (5).
Genome position (GRCh38, 1-based): chr10:121,517,445, T>C on the plus strand (A>G on the coding strand, the complement: FGFR2 is on the minus strand). VCF-style: chr10-121517445-T-C. GRCh37 (hg19) VCF-style: chr10-123276959-T-C.
Other names: c.691A>G, p.Thr231Ala (NM_001144915.2, NM_023029.3); c.613A>G, p.Thr205Ala (NM_001144916.2, NM_001144918.2); c.274A>G, p.Thr92Ala (NM_001320654.2); c.958A>G, p.Thr320Ala (NM_001320658.2); c.749-2126A>G (NM_001144914.1); c.939+2534A>G (NM_001144917.2); c.1087+1237A>G (NM_022970.4, NM_001144913.1); c.820+1237A>G (NM_001144919.2); short protein forms T320A, T205A, T231A, T92A.
Identifiers: ClinVar variation 1358709 (VCV001358709.12), dbSNP rs2134260022, ClinGen allele CA378328495.
Genomic context (GRCh38, chr10:121,517,445, plus strand): 5'-ATTCCCCAGCGTCCTCAAAAGTTACATTCCGAATATAGAGAACCTCAATCTCTTTGTCCG[T>C]GGTGTTAACACCGGCGGCCTAGAAAACAAGGGAAGCAAAAGAAAAGGCTAGACGACACAG-3'
Protein context (NP_000132.3, residues 310-330): KVLKAAGVNT[Thr320Ala]DKEIEVLYIR

ClinVar aggregate classification (germline): Pathogenic. Review status: criteria provided, multiple submitters, no conflicts (2 of 4 stars). 3 submissions from 3 submitters: Pathogenic (2). 1 of the submissions does not count toward it. Last evaluated 2026-01-05.

Conditions:
FGFR2-related disorder. Identifiers: MedGen CN380096.
FGFR2-related craniosynostosis. Identifiers: MedGen CN231480.

Submissions (3):

GeneDx
Classification: Pathogenic. Last evaluated: 2026-01-05. Review status: criteria provided, single submitter. Criteria: GeneDx Variant Classification Process June 2021. Collection method: clinical testing. Allele origin: germline. Affected: yes.
Comment: In silico analysis suggests that this missense variant does not alter protein structure/function; Not observed at significant frequency in large population cohorts (gnomAD); This variant is associated with the following publications: (PMID: 31754721, 35591945, 11781872, 29230096)

Labcorp Genetics (formerly Invitae), Labcorp
Classification: Pathogenic for FGFR2-related craniosynostosis. Last evaluated: 2023-04-24. Review status: criteria provided, single submitter. Criteria: Invitae Variant Classification Sherloc (09022015). Collection method: clinical testing. Allele origin: germline.
Comment: Advanced modeling of protein sequence and biophysical properties (such as structural, functional, and spatial information, amino acid conservation, physicochemical variation, residue mobility, and thermodynamic stability) performed at Invitae indicates that this missense variant is expected to disrupt FGFR2 protein function. For these reasons, this variant has been classified as Pathogenic. ClinVar contains an entry for this variant (Variation ID: 1358709). This missense change has been observed in individual(s) with Crouzon syndrome (PMID: 31754721). In at least one individual the variant was observed to be de novo. This variant is not present in population databases (gnomAD no frequency). This sequence change replaces threonine, which is neutral and polar, with alanine, which is neutral and non-polar, at codon 320 of the FGFR2 protein (p.Thr320Ala).

PreventionGenetics, part of Exact Sciences
Classification: Likely pathogenic for FGFR2-related condition. Last evaluated: 2024-09-05. Review status: no assertion criteria provided. Collection method: clinical testing. Allele origin: germline. Not counted in ClinVar's aggregate classification.
Comment: The FGFR2 c.958A>G variant is predicted to result in the amino acid substitution p.Thr320Ala. This variant has been reported as having arisen de novo in an individual with Crouzon syndrome (Yoon et al. 2019. PubMed ID: 31754721). It has also been reported in an individual with isolated craniosynostosis (Bukowska-Olech et al. 2022. PubMed ID: 35591945). This variant has not been reported in a large population database, indicating it is rare. This variant is interpreted as likely pathogenic.

Literature cited by the submitters: PubMed 31754721 (cited by Labcorp Genetics (formerly Invitae), Labcorp).